The following is an entry in ClinVar:

NM_000258.3(MYL3):c.579del (p.Met193fs)

Gene: MYL3 (myosin light chain 3; minus strand). Cytogenetic location: 3p21.31.
Variant type: Deletion.
Coding change: c.579del on transcript NM_000258.3 (MANE Select); coding-DNA position 579, one base deleted (G; older notation c.579delG).
Protein change: p.Met193fs; shifts the reading frame from methionine 193.
Molecular consequence: frameshift variant.
Genome position (GRCh38, 1-based): chr3:46,858,253, C deleted on the plus strand (G on the coding strand, the reverse complement: MYL3 is on the minus strand). VCF-style (leftmost placement, unchanged base first): chr3-46858252-AC-A. GRCh37 (hg19) VCF-style: chr3-46899742-AC-A.
Other names: c.579delG, p.Met193Ilefs (NM_001406937.1, NM_001406938.1, NM_001406939.1); c.405delG, p.Met135Ilefs (NM_001406940.1); c.390delG, p.Met130Ilefs (NM_001406941.1); short protein forms M193fs.
Identifiers: ClinVar variation 1983370 (VCV001983370.4), dbSNP rs2544962708, ClinGen allele CA2577576300.

ClinVar aggregate classification (germline): Uncertain significance (1 of 4 stars; one submission).

Conditions:
Hypertrophic cardiomyopathy. Also called: HYPERTROPHIC MYOCARDIOPATHY. Identifiers: Orphanet 217569, MedGen C0007194, MeSH D002312, MONDO:0005045, HP:0001639.

Submission:

Labcorp Genetics (formerly Invitae), Labcorp
Classification: Uncertain significance for Hypertrophic cardiomyopathy. Last evaluated: 2022-03-01. Review status: criteria provided, single submitter. Criteria: Invitae Variant Classification Sherloc (09022015). Collection method: clinical testing. Allele origin: germline.
Comment: This variant has not been reported in the literature in individuals affected with MYL3-related conditions. Experimental studies and prediction algorithms are not available or were not evaluated, and the functional significance of this variant is currently unknown. In summary, the available evidence is currently insufficient to determine the role of this variant in disease. Therefore, it has been classified as a Variant of Uncertain Significance. This sequence change results in a frameshift in the MYL3 gene (p.Met193Ilefs*65). While this is not anticipated to result in nonsense mediated decay, it is expected to disrupt the last 3 amino acid(s) of the MYL3 protein and extend the protein by 61 additional amino acid residues. This variant is not present in population databases (gnomAD no frequency).